The following is an entry in ClinVar:

ClinVar aggregate classification (germline): Uncertain significance (1 of 4 stars; one submission).

Submission:

Ambry Genetics
Classification: Uncertain significance. Last evaluated: 2025-03-02. Review status: criteria provided, single submitter. Criteria: Ambry Variant Classification Scheme 2023. Collection method: clinical testing. Allele origin: germline.
Comment: The p.G958A variant (also known as c.2873G>C), located in coding exon 25 of the KIF1B gene, results from a G to C substitution at nucleotide position 2873. The glycine at codon 958 is replaced by alanine, an amino acid with similar properties. This amino acid position is conserved. In addition, this alteration is predicted to be deleterious by in silico analysis. Based on the available evidence, the clinical significance of this variant remains unclear.

NM_001365951.3(KIF1B):c.3011G>C (p.Gly1004Ala)

Gene: KIF1B (kinesin family member 1B; plus strand). Cytogenetic location: 1p36.22.
Variant type: single nucleotide variant.
Coding change: c.3011G>C on transcript NM_001365951.3 (MANE Select); coding-DNA position 3011, G replaced by C.
Protein change: p.Gly1004Ala; replaces glycine 1004 with alanine.
Molecular consequence: missense variant.
Genome position (GRCh38, 1-based): chr1:10,334,606, G>C. VCF-style: chr1-10334606-G-C. GRCh37 (hg19) VCF-style: chr1-10394664-G-C.
Other names: c.3011G>C, p.Gly1004Ala (NM_001365952.1); c.2873G>C, p.Gly958Ala (NM_015074.3); short protein forms G1004A, G958A.
Identifiers: ClinVar variation 3864115 (VCV003864115.1).
Genomic context (GRCh38, chr1:10,334,606, plus strand): 5'-TGTATCCCGTGCCCCTGATCCACAGGGTGGCCATCGTCAGTGAGAAAGGTGAAGTGCGGG[G>C]ATTTCTGCGTGTGGCTGTACAGGCCATCGCAGGTAGGTGACCCTCTTCTGAAATGAGAGC-3'
Protein context (NP_001352880.1, residues 994-1014): AIVSEKGEVR[Gly1004Ala]FLRVAVQAIA